The following is an entry in ClinVar:

NM_004655.4(AXIN2):c.233G>A (p.Trp78Ter)

Gene: AXIN2 (axin 2; minus strand). Cytogenetic location: 17q24.1.
Variant type: single nucleotide variant.
Coding change: c.233G>A on transcript NM_004655.4 (MANE Select); coding-DNA position 233, G replaced by A.
Protein change: p.Trp78Ter; replaces tryptophan 78 with a stop codon.
Molecular consequence: nonsense.
Genome position (GRCh38, 1-based): chr17:65,558,388, C>T on the plus strand (G>A on the coding strand, the complement: AXIN2 is on the minus strand). VCF-style: chr17-65558388-C-T. GRCh37 (hg19) VCF-style: chr17-63554506-C-T.
Other names: c.233G>A, p.Trp78Ter (NM_001363813.1); short protein forms W78*.
Identifiers: ClinVar variation 1075486 (VCV001075486.8), dbSNP rs2144589420, ClinGen allele CA400681851.

ClinVar aggregate classification (germline): Pathogenic. Review status: criteria provided, multiple submitters, no conflicts (2 of 4 stars). 2 submissions from 2 submitters: Pathogenic (2). Last evaluated 2023-05-17.

Conditions:
Oligodontia-cancer predisposition syndrome. Also called: TOOTH AGENESIS-COLORECTAL CANCER SYNDROME. Identifiers: Orphanet 300576, MedGen C1837750, MONDO:0012075, OMIM 608615. Disease mechanism: loss of function.

Submissions (2):

Myriad Genetics, Inc.
Classification: Pathogenic for Oligodontia-cancer predisposition syndrome. Last evaluated: 2023-05-17. Review status: criteria provided, single submitter. Criteria: Myriad Autosomal Dominant, Autosomal Recessive and X-Linked Classification Criteria (2023). Collection method: clinical testing. Allele origin: unknown.
Comment: This variant is considered pathogenic. This variant creates a termination codon and is predicted to result in premature protein truncation.

Labcorp Genetics (formerly Invitae), Labcorp
Classification: Pathogenic for Oligodontia-cancer predisposition syndrome. Last evaluated: 2020-08-04. Review status: criteria provided, single submitter. Criteria: Invitae Variant Classification Sherloc (09022015). Collection method: clinical testing. Allele origin: germline.
Comment: For these reasons, this variant has been classified as Pathogenic. Loss-of-function variants in AXIN2 are known to be pathogenic (PMID: 15042511, 21416598). Algorithms developed to predict the effect of sequence changes on RNA splicing suggest that this variant may create or strengthen a splice site, but this prediction has not been confirmed by published transcriptional studies. This variant has not been reported in the literature in individuals with AXIN2-related conditions. This variant is not present in population databases (ExAC no frequency). This sequence change creates a premature translational stop signal (p.Trp78*) in the AXIN2 gene. It is expected to result in an absent or disrupted protein product.

Literature cited by the submitters: PubMed 15042511 (cited by Labcorp Genetics (formerly Invitae), Labcorp); PubMed 21416598 (cited by Labcorp Genetics (formerly Invitae), Labcorp).